The following is an entry in ClinVar:

ClinVar aggregate classification (germline): Uncertain significance (1 of 4 stars; one submission).

gnomAD v4.1: 5 of 1,613,770 alleles (0.00031%); highest among the groups gnomAD compares: Admixed American, 0.0017%; no homozygotes.

Submission:

Labcorp Genetics (formerly Invitae), Labcorp
Classification: Uncertain significance. Last evaluated: 2025-08-29. Review status: criteria provided, single submitter. Criteria: Invitae Variant Classification Sherloc (09022015). Collection method: clinical testing. Allele origin: germline.
Comment: This sequence change replaces valine, which is neutral and non-polar, with isoleucine, which is neutral and non-polar, at codon 213 of the DNM1L protein (p.Val213Ile). This variant is present in population databases (rs755741612, gnomAD 0.0009%). This variant has not been reported in the literature in individuals affected with DNM1L-related conditions. An algorithm developed to predict the effect of missense changes on protein structure and function (PolyPhen-2) suggests that this variant is likely to be disruptive. In summary, the available evidence is currently insufficient to determine the role of this variant in disease. Therefore, it has been classified as a Variant of Uncertain Significance.

NM_012062.5(DNM1L):c.637G>A (p.Val213Ile)

Gene: DNM1L (dynamin 1 like; plus strand). Cytogenetic location: 12p11.21.
Variant type: single nucleotide variant.
Coding change: c.637G>A on transcript NM_012062.5 (MANE Select); coding-DNA position 637, G replaced by A.
Protein change: p.Val213Ile; replaces valine 213 with isoleucine.
Molecular consequence: missense variant. On other transcripts: intron variant (1).
Genome position (GRCh38, 1-based): chr12:32,718,660, G>A. VCF-style: chr12-32718660-G-A. GRCh37 (hg19) VCF-style: chr12-32871594-G-A.
Other names: c.637G>A, p.Val213Ile (NM_001278463.2, NM_005690.5, NM_012063.4); c.676G>A, p.Val226Ile (NM_001278464.2, NM_001278465.2, NM_001330380.2); c.132-2004G>A (NM_001278466.2); short protein forms V213I, V226I.
Identifiers: ClinVar variation 4799613 (VCV004799613.1).